The following is an entry in ClinVar:

NM_000540.3(RYR1):c.11760C>G (p.Asp3920Glu)

Gene: RYR1 (ryanodine receptor 1; plus strand). Cytogenetic location: 19q13.2.
Variant type: single nucleotide variant.
Coding change: c.11760C>G on transcript NM_000540.3 (MANE Select); coding-DNA position 11760, C replaced by G.
Protein change: p.Asp3920Glu; replaces aspartic acid 3920 with glutamic acid.
Molecular consequence: missense variant.
Genome position (GRCh38, 1-based): chr19:38,543,417, C>G. VCF-style: chr19-38543417-C-G. GRCh37 (hg19) VCF-style: chr19-39034057-C-G.
Other names: c.11745C>G, p.Asp3915Glu (NM_001042723.2); short protein forms D3920E, D3915E.
Identifiers: ClinVar variation 590390 (VCV000590390.12), dbSNP rs1568557623, ClinGen allele CA405661365.

ClinVar aggregate classification (germline): Uncertain significance. Review status: criteria provided, multiple submitters, no conflicts (2 of 4 stars). 3 submissions from 3 submitters: Uncertain significance (3). Last evaluated 2025-11-03.

Conditions:
RYR1-related disorder. Also called: RYR1-related disorders; RYR1-related condition. Identifiers: MedGen CN239331.

Submissions (3):

Labcorp Genetics (formerly Invitae), Labcorp
Classification: Uncertain significance for RYR1-related disorder. Last evaluated: 2025-11-03. Review status: criteria provided, single submitter. Criteria: Invitae Variant Classification Sherloc (09022015). Collection method: clinical testing. Allele origin: germline.
Comment: This sequence change replaces aspartic acid, which is acidic and polar, with glutamic acid, which is acidic and polar, at codon 3920 of the RYR1 protein (p.Asp3920Glu). This variant is not present in population databases (gnomAD no frequency). This variant has not been reported in the literature in individuals affected with RYR1-related conditions. ClinVar contains an entry for this variant (Variation ID: 590390). Invitae Evidence Modeling of protein sequence and biophysical properties (such as structural, functional, and spatial information, amino acid conservation, physicochemical variation, residue mobility, and thermodynamic stability) indicates that this missense variant is not expected to disrupt RYR1 protein function with a negative predictive value of 80%. In summary, the available evidence is currently insufficient to determine the role of this variant in disease. Therefore, it has been classified as a Variant of Uncertain Significance.

GeneDx
Classification: Uncertain significance. Last evaluated: 2019-08-30. Review status: criteria provided, single submitter. Criteria: GeneDx Variant Classification Process June 2021. Collection method: clinical testing. Allele origin: germline. Affected: yes.
Comment: Not observed in large population cohorts (Lek et al., 2016); In silico analysis, which includes protein predictors and evolutionary conservation, supports a deleterious effect; Has not been previously published as pathogenic or benign to our knowledge

PreventionGenetics, part of Exact Sciences
Classification: Uncertain significance. Last evaluated: 2018-08-23. Review status: criteria provided, single submitter. Criteria: ACMG Guidelines, 2015. Collection method: clinical testing. Allele origin: germline.